The following is an entry in ClinVar:

NM_020975.6(RET):c.186G>C (p.Glu62Asp)

Gene: RET (ret proto-oncogene; plus strand). Cytogenetic location: 10q11.21.
Variant type: single nucleotide variant.
Coding change: c.186G>C on transcript NM_020975.6 (MANE Select); coding-DNA position 186, G replaced by C.
Protein change: p.Glu62Asp; replaces glutamic acid 62 with aspartic acid.
Molecular consequence: missense variant. On other transcripts: intron variant (4).
Genome position (GRCh38, 1-based): chr10:43,100,571, G>C. VCF-style: chr10-43100571-G-C. GRCh37 (hg19) VCF-style: chr10-43596019-G-C.
Other names: c.186G>C, p.Glu62Asp (NM_000323.2, NM_001406743.1, NM_001406744.1 and 34 more transcripts); c.74-8460G>C (NM_001406784.1); c.74-11528G>C (NM_001406794.1, NM_001406792.1, NM_001406793.1); short protein forms E62D.
Identifiers: ClinVar variation 2701823 (VCV002701823.4), dbSNP rs1588862529, ClinGen allele CA376770269.

ClinVar aggregate classification (germline): Uncertain significance. Review status: criteria provided, multiple submitters, no conflicts (2 of 4 stars). 2 submissions from 2 submitters: Uncertain significance (2). Last evaluated 2024-12-29.

Conditions:
Hereditary cancer-predisposing syndrome. Also called: Hereditary neoplastic syndrome; Neoplastic Syndromes, Hereditary; Hereditary Cancer Syndrome; Tumor predisposition. Identifiers: Orphanet 140162, MedGen C0027672, MeSH D009386, MONDO:0015356.
Multiple endocrine neoplasia, type 2 (MEN2). Identifiers: Orphanet 653, MedGen C4048306, MONDO:0019003. Disease mechanism: gain of function.

Submissions (2):

Ambry Genetics
Classification: Uncertain significance for Hereditary cancer-predisposing syndrome. Last evaluated: 2024-12-29. Review status: criteria provided, single submitter. Criteria: Ambry Variant Classification Scheme 2023. Collection method: clinical testing. Allele origin: germline.
Comment: The p.E62D variant (also known as c.186G>C), located in coding exon 2 of the RET gene, results from a G to C substitution at nucleotide position 186. The glutamic acid at codon 62 is replaced by aspartic acid, an amino acid with highly similar properties. This amino acid position is conserved. In addition, the in silico prediction for this alteration is inconclusive. Based on the available evidence, the clinical significance of this variant remains unclear.

Labcorp Genetics (formerly Invitae), Labcorp
Classification: Uncertain significance for Multiple endocrine neoplasia, type 2. Last evaluated: 2023-12-09. Review status: criteria provided, single submitter. Criteria: Invitae Variant Classification Sherloc (09022015). Collection method: clinical testing. Allele origin: germline.
Comment: This sequence change replaces glutamic acid, which is acidic and polar, with aspartic acid, which is acidic and polar, at codon 62 of the RET protein (p.Glu62Asp). This variant is not present in population databases (gnomAD no frequency). This variant has not been reported in the literature in individuals affected with RET-related conditions. An algorithm developed to predict the effect of missense changes on protein structure and function (PolyPhen-2) suggests that this variant is likely to be tolerated. In summary, the available evidence is currently insufficient to determine the role of this variant in disease. Therefore, it has been classified as a Variant of Uncertain Significance.